The following is an entry in ClinVar:

ClinVar aggregate classification (germline): Uncertain significance. Review status: criteria provided, multiple submitters, no conflicts (2 of 4 stars). 2 submissions from 2 submitters: Uncertain significance (2). Last evaluated 2023-08-15.

Conditions:
Wilson disease (WND). Also called: Wilson's disease. Identifiers: Orphanet 905, MedGen C0019202, MONDO:0010200, OMIM 277900. Disease mechanism: loss of function.

Submissions (2):

All of Us Research Program, National Institutes of Health
Classification: Uncertain significance for Wilson disease. Last evaluated: 2023-08-15. Review status: criteria provided, single submitter. Criteria: ACMG Guidelines, 2015. Collection method: clinical testing. Allele origin: germline. Inheritance: Autosomal recessive inheritance. Observed: 1 variant allele, 1 heterozygote.
Comment: This missense variant replaces methionine with threonine at codon 851 of the ATP7B protein. Computational prediction is inconclusive regarding the impact of this variant on protein structure and function (internally defined REVEL score threshold 0.5 < inconclusive < 0.7, PMID: 27666373). To our knowledge, functional studies have not been reported for this variant. This variant has not been reported in individuals affected with ATP7B-related disorders in the literature. This variant has not been identified in the general population by the Genome Aggregation Database (gnomAD). The available evidence is insufficient to determine the role of this variant in disease conclusively. Therefore, this variant is classified as a Variant of Uncertain Significance.

This study involves interpretation of variants in research participants for the purpose of population health screening. Participant phenotype was not available at the time of variant classification. Additional details can be found in publication PMID: 35346344, PMCID: PMC8962531

Color Diagnostics, LLC DBA Color Health
Classification: Uncertain significance for Wilson disease. Last evaluated: 2023-07-26. Review status: criteria provided, single submitter. Criteria: ACMG Guidelines, 2015. Collection method: clinical testing. Allele origin: germline.
Comment: This missense variant replaces methionine with threonine at codon 851 of the ATP7B protein. Computational prediction is inconclusive regarding the impact of this variant on protein structure and function. To our knowledge, functional studies have not been reported for this variant. This variant has not been reported in individuals affected with ATP7B-related disorders in the literature. This variant has not been identified in the general population by the Genome Aggregation Database (gnomAD). The available evidence is insufficient to determine the role of this variant in disease conclusively. Therefore, this variant is classified as a Variant of Uncertain Significance.

NM_000053.4(ATP7B):c.2552T>C (p.Met851Thr)

Gene: ATP7B (ATPase copper transporting beta; minus strand). Cytogenetic location: 13q14.3.
Variant type: single nucleotide variant.
Coding change: c.2552T>C on transcript NM_000053.4 (MANE Select); coding-DNA position 2552, T replaced by C.
Protein change: p.Met851Thr; replaces methionine 851 with threonine.
Molecular consequence: missense variant. On other transcripts: intron variant (1).
Genome position (GRCh38, 1-based): chr13:51,950,295, A>G on the plus strand (T>C on the coding strand, the complement: ATP7B is on the minus strand). VCF-style: chr13-51950295-A-G. GRCh37 (hg19) VCF-style: chr13-52524431-A-G.
Other names: c.2066T>C, p.Met689Thr (NM_001005918.3, NM_001406541.1, NM_001406542.1 and 1 more transcripts); c.2456T>C, p.Met819Thr (NM_001406518.1, NM_001406517.1); c.2552T>C, p.Met851Thr (NM_001406519.1, NM_001406523.1, NM_001406525.1 and 7 more transcripts); c.2408T>C, p.Met803Thr (NM_001406520.1, NM_001406521.1, NM_001406522.1 and 1 more transcripts); c.2375T>C, p.Met792Thr (NM_001406524.1); c.2123T>C, p.Met708Thr (NM_001406539.1); c.2300T>C, p.Met767Thr (NM_001406540.1, NM_001330579.2, NM_001406531.1 and 1 more transcripts); c.2204T>C, p.Met735Thr (NM_001406543.1); and 8 more; short protein forms M635T, M657T, M689T, M708T, M735T, M740T, M741T, M767T.
Identifiers: ClinVar variation 3072894 (VCV003072894.2), dbSNP rs2547673311, ClinGen allele CA388015937.